The following is an entry in ClinVar:

NM_001244008.2(KIF1A):c.3703G>A (p.Asp1235Asn)

Gene: KIF1A (kinesin family member 1A; minus strand). Cytogenetic location: 2q37.3.
Variant type: single nucleotide variant.
Coding change: c.3703G>A on transcript NM_001244008.2 (MANE Select); coding-DNA position 3703, G replaced by A.
Protein change: p.Asp1235Asn; replaces aspartic acid 1235 with asparagine.
Molecular consequence: missense variant.
Genome position (GRCh38, 1-based): chr2:240,741,315, C>T on the plus strand (G>A on the coding strand, the complement: KIF1A is on the minus strand). VCF-style: chr2-240741315-C-T. GRCh37 (hg19) VCF-style: chr2-241680732-C-T.
Other names: c.3427G>A, p.Asp1143Asn (NM_001320705.2, NM_001330289.2, NM_001379638.1); c.3502G>A, p.Asp1168Asn (NM_001330290.2, NM_001379634.1, NM_001379635.1 and 1 more transcripts); c.3778G>A, p.Asp1260Asn (NM_001379631.1); c.3652G>A, p.Asp1218Asn (NM_001379632.1); c.3676G>A, p.Asp1226Asn (NM_001379633.1, NM_001379642.1, NM_001379645.1); c.3400G>A, p.Asp1134Asn (NM_001379636.1, NM_001379639.1, NM_001379641.1 and 5 more transcripts); c.3475G>A, p.Asp1159Asn (NM_001379637.1, NM_001379648.1); c.3397G>A, p.Asp1133Asn (NM_001379640.1); and 1 more; short protein forms D1134N, D1143N, D1168N, D1235N, D1159N, D1218N, D1226N, D1260N.
Identifiers: ClinVar variation 860007 (VCV000860007.41), dbSNP rs200257048, ClinGen allele CA2207695.

ClinVar aggregate classification (germline): Conflicting classifications of pathogenicity. Review status: criteria provided, conflicting classifications (1 of 4 stars). 5 submissions from 5 submitters: Uncertain significance (2); Likely benign (2). 1 of the submissions does not count toward it. Last evaluated 2025-07-30.

Conditions:
Inborn genetic diseases. Identifiers: MedGen C0950123, MeSH D030342.
Hereditary spastic paraplegia 30. Identifiers: Orphanet 101010, MedGen C5235139, MONDO:0012476.
Neuropathy, hereditary sensory, type 2C. Also called: Hereditary sensory and autonomic neuropathy type IIC; KIF1A-Related HSAN2 (HSAN2C). Identifiers: Orphanet 970, MedGen C3280168, MONDO:0013634, OMIM 614213.
Intellectual disability, autosomal dominant 9 (NESCAVS). Also called: NESCAV SYNDROME; KIF1A-Related Neurodevelopmental Disorder. Identifiers: Orphanet 662367, MedGen C5393830, MONDO:0013656, OMIM 614255.

Allele frequency attached by ClinVar (database versions not stated): gnomAD 0.00003 and 0.00005; TOPMed 0.00005; gnomAD exomes 0.00011; ExAC 0.00014; 1000 Genomes Project 30x 0.00016; ESP Exome Variant Server 0.00016; 1000 Genomes Project 0.00020.
gnomAD v4.1: 55 of 1,600,522 alleles (0.0034%); highest among the groups gnomAD compares: Middle Eastern, 0.083%; 1 homozygote.

Submissions (5):

Labcorp Genetics (formerly Invitae), Labcorp
Classification: Likely benign for Hereditary spastic paraplegia 30; Neuropathy, hereditary sensory, type 2C; Intellectual disability, autosomal dominant 9. Last evaluated: 2025-07-30. Review status: criteria provided, single submitter. Criteria: Invitae Variant Classification Sherloc (09022015). Collection method: clinical testing. Allele origin: germline.

GeneDx
Classification: Uncertain significance. Last evaluated: 2022-08-25. Review status: criteria provided, single submitter. Criteria: GeneDx Variant Classification Process June 2021. Collection method: clinical testing. Allele origin: germline. Affected: yes.
Comment: In silico analysis supports that this missense variant has a deleterious effect on protein structure/function; Has not been previously published as pathogenic or benign to our knowledge

CeGaT Center for Human Genetics Tuebingen
Classification: Likely benign. Last evaluated: 2022-08-01. Review status: criteria provided, single submitter. Criteria: CeGaT Center For Human Genetics Tuebingen Variant Classification Criteria Version 2. Collection method: clinical testing. Allele origin: germline. Affected: yes. Observed: 1 variant allele.
Comment: KIF1A: PP2, BS2

Ambry Genetics
Classification: Uncertain significance for Inborn genetic diseases. Last evaluated: 2021-05-17. Review status: criteria provided, single submitter. Criteria: Ambry Variant Classification Scheme 2023. Collection method: clinical testing. Allele origin: germline.

Genetics and Genomic Medicine Centre, NeuroGen Healthcare, NeuroGen Healthcare
Classification: Uncertain significance. Last evaluated: 2020-12-02. Review status: no assertion criteria provided. Collection method: clinical testing. Allele origin: unknown. Affected: yes. Not counted in ClinVar's aggregate classification.